The following is an entry in ClinVar:

NM_001458.5(FLNC):c.6421C>T (p.Arg2141Trp)

Genes: FLNC (filamin C; plus strand), FLNC-AS1 (FLNC antisense RNA 1; minus strand). Cytogenetic location: 7q32.1.
Variant type: single nucleotide variant.
Coding change: c.6421C>T on transcript NM_001458.5 (MANE Select); coding-DNA position 6421, C replaced by T.
Protein change: p.Arg2141Trp; replaces arginine 2141 with tryptophan.
Molecular consequence: missense variant.
Genome position (GRCh38, 1-based): chr7:128,853,774, C>T. VCF-style: chr7-128853774-C-T. GRCh37 (hg19) VCF-style: chr7-128493828-C-T.
Other names: c.6421C>T (NM_001458.4); c.6322C>T, p.Arg2108Trp (NM_001127487.2); short protein forms R2141W, R2108W.
Identifiers: ClinVar variation 1508059 (VCV001508059.10), dbSNP rs1808926604, ClinGen allele CA369212508.

ClinVar aggregate classification (germline): Uncertain significance. Review status: criteria provided, multiple submitters, no conflicts (2 of 4 stars). 4 submissions from 4 submitters: Uncertain significance (4). Last evaluated 2025-05-24.

Conditions:
Cardiovascular phenotype. Identifiers: MedGen CN230736.
Distal myopathy with posterior leg and anterior hand involvement. Also called: WILLIAMS DISTAL MYOPATHY. Identifiers: Orphanet 63273, MedGen C3279722, MONDO:0013550, OMIM 614065.
Hypertrophic cardiomyopathy 26. Also called: Cardiomyopathy, familial hypertrophic, 26. Identifiers: Orphanet 75249, MedGen C4310749, MONDO:0014883, OMIM 617047.
Myofibrillar myopathy 5. Also called: Filaminopathy (type); FILAMINOPATHY, AUTOSOMAL DOMINANT. Identifiers: Orphanet 171445, MedGen C1836050, MONDO:0012289, OMIM 609524.

Allele frequency attached by ClinVar (database versions not stated): gnomAD exomes 0.00001.
gnomAD v4.1: 9 of 1,613,780 alleles (0.00056%); highest among the groups gnomAD compares: Non-Finnish European, 0.00076%; no homozygotes.

Submissions (4):

Ambry Genetics
Classification: Uncertain significance for Cardiovascular phenotype. Last evaluated: 2025-05-24. Review status: criteria provided, single submitter. Criteria: Ambry Variant Classification Scheme 2023. Collection method: clinical testing. Allele origin: germline.
Comment: The p.R2141W variant (also known as c.6421C>T), located in coding exon 39 of the FLNC gene, results from a C to T substitution at nucleotide position 6421. The arginine at codon 2141 is replaced by tryptophan, an amino acid with dissimilar properties. This amino acid position is conserved. In addition, the in silico prediction for this alteration is inconclusive. Since supporting evidence is limited at this time, the clinical significance of this alteration remains unclear.

Labcorp Genetics (formerly Invitae), Labcorp
Classification: Uncertain significance for Distal myopathy with posterior leg and anterior hand involvement; Myofibrillar myopathy 5; Hypertrophic cardiomyopathy 26. Last evaluated: 2024-09-24. Review status: criteria provided, single submitter. Criteria: Invitae Variant Classification Sherloc (09022015). Collection method: clinical testing. Allele origin: germline.
Comment: This sequence change replaces arginine, which is basic and polar, with tryptophan, which is neutral and slightly polar, at codon 2141 of the FLNC protein (p.Arg2141Trp). This variant is not present in population databases (gnomAD no frequency). This missense change has been observed in individual(s) with clinical features of FLNC-related conditions (internal data). ClinVar contains an entry for this variant (Variation ID: 1508059). Invitae Evidence Modeling of protein sequence and biophysical properties (such as structural, functional, and spatial information, amino acid conservation, physicochemical variation, residue mobility, and thermodynamic stability) has been performed for this missense variant. However, the output from this modeling did not meet the statistical confidence thresholds required to predict the impact of this variant on FLNC protein function. In summary, the available evidence is currently insufficient to determine the role of this variant in disease. Therefore, it has been classified as a Variant of Uncertain Significance.

GeneDx
Classification: Uncertain significance. Last evaluated: 2024-04-18. Review status: criteria provided, single submitter. Criteria: GeneDx Variant Classification Process June 2021. Collection method: clinical testing. Allele origin: germline. Affected: yes.
Comment: Has not been previously published as pathogenic or benign to our knowledge; Not observed at significant frequency in large population cohorts (gnomAD); In silico analysis supports that this missense variant has a deleterious effect on protein structure/function

Blueprint Genetics
Classification: Uncertain significance. Last evaluated: 2022-10-04. Review status: criteria provided, single submitter. Criteria: ACMG Guidelines, 2015. Collection method: clinical testing. Allele origin: germline.